The following is an entry in ClinVar:

ClinVar aggregate classification (germline): Uncertain significance. Review status: criteria provided, multiple submitters, no conflicts (2 of 4 stars). 3 submissions from 3 submitters: Uncertain significance (3). Last evaluated 2025-06-09.

Conditions:
Cardiovascular phenotype. Identifiers: MedGen CN230736.
Cardiomyopathy (CMYO). Also called: Cardiomyopathies. Identifiers: Orphanet 167848, MedGen C0878544, MONDO:0004994, HP:0001638. Inheritance: Various modes of inheritance.
Catecholaminergic polymorphic ventricular tachycardia 1. Also called: VENTRICULAR TACHYCARDIA, CATECHOLAMINERGIC POLYMORPHIC, 1, WITH OR WITHOUT ATRIAL DYSFUNCTION AND/OR DILATED CARDIOMYOPATHY; RYR2-Related Catecholaminergic Polymorphic Ventricular Tachycardia; VENTRICULAR TACHYCARDIA, STRESS-INDUCED POLYMORPHIC 1. Identifiers: Orphanet 3286, MedGen C1631597, MONDO:0011484, OMIM 604772.

Allele frequency attached by ClinVar (database versions not stated): gnomAD 0.00001; ExAC 0.00002; gnomAD exomes 0.00002 and 0.00001; TOPMed 0.00001.
gnomAD v4.1: 27 of 1,612,832 alleles (0.0017%); highest among the groups gnomAD compares: East Asian, 0.0022%; no homozygotes.

Submissions (3):

Color Diagnostics, LLC DBA Color Health
Classification: Uncertain significance for Cardiomyopathy. Last evaluated: 2025-06-09. Review status: criteria provided, single submitter. Criteria: ACMG Guidelines, 2015. Collection method: clinical testing. Allele origin: germline.
Comment: This missense variant replaces arginine with tryptophan at codon 137 of the RYR2 protein. Computational prediction suggests that this variant may have deleterious impact on protein structure and function. To our knowledge, functional studies have not been reported for this variant. This variant has not been reported in individuals affected with RYR2-related disorders in the literature. It has been detected in a family affected with recurrent unexplained miscarriages (PMID: 36864708). This variant has been identified in 2/247742 chromosomes in the general population by the Genome Aggregation Database (gnomAD). The available evidence is insufficient to determine the role of this variant in disease conclusively. Therefore, this variant is classified as a Variant of Uncertain Significance.

Ambry Genetics
Classification: Uncertain significance for Cardiovascular phenotype. Last evaluated: 2023-06-22. Review status: criteria provided, single submitter. Criteria: Ambry Variant Classification Scheme 2023. Collection method: clinical testing. Allele origin: germline.
Comment: The p.R137W variant (also known as c.409C>T), located in coding exon 7 of the RYR2 gene, results from a C to T substitution at nucleotide position 409. The arginine at codon 137 is replaced by tryptophan, an amino acid with dissimilar properties. This alteration has been reported in a cohort of couples with recurrent unexplained miscarriages (Wang X et al. Hum Reprod, 2023 May;38:1003-1018). This amino acid position is highly conserved in available vertebrate species. In addition, this alteration is predicted to be deleterious by in silico analysis. Since supporting evidence is limited at this time, the clinical significance of this alteration remains unclear.

Labcorp Genetics (formerly Invitae), Labcorp
Classification: Uncertain significance for Catecholaminergic polymorphic ventricular tachycardia 1. Last evaluated: 2022-03-26. Review status: criteria provided, single submitter. Criteria: Invitae Variant Classification Sherloc (09022015). Collection method: clinical testing. Allele origin: germline.
Comment: This variant is present in population databases (rs761916230, gnomAD 0.006%). In summary, the available evidence is currently insufficient to determine the role of this variant in disease. Therefore, it has been classified as a Variant of Uncertain Significance. Advanced modeling of protein sequence and biophysical properties (such as structural, functional, and spatial information, amino acid conservation, physicochemical variation, residue mobility, and thermodynamic stability) performed at Invitae indicates that this missense variant is expected to disrupt RYR2 protein function. ClinVar contains an entry for this variant (Variation ID: 924480). This variant has not been reported in the literature in individuals affected with RYR2-related conditions. This sequence change replaces arginine, which is basic and polar, with tryptophan, which is neutral and slightly polar, at codon 137 of the RYR2 protein (p.Arg137Trp).

Literature cited by the submitters: PubMed 36864708 (cited by Color Diagnostics, LLC DBA Color Health and Ambry Genetics).

NM_001035.3(RYR2):c.409C>T (p.Arg137Trp)

Gene: RYR2 (ryanodine receptor 2; plus strand). Cytogenetic location: 1q43.
Variant type: single nucleotide variant.
Coding change: c.409C>T on transcript NM_001035.3 (MANE Select); coding-DNA position 409, C replaced by T.
Protein change: p.Arg137Trp; replaces arginine 137 with tryptophan.
Molecular consequence: missense variant.
Genome position (GRCh38, 1-based): chr1:237,374,741, C>T. VCF-style: chr1-237374741-C-T. GRCh37 (hg19) VCF-style: chr1-237538041-C-T.
Other names: c.409C>T (NM_001035.2); short protein forms R137W.
Identifiers: ClinVar variation 924480 (VCV000924480.9), dbSNP rs761916230, ClinGen allele CA086532.